The following is an entry in ClinVar:

NM_017654.4(SAMD9):c.3676A>G (p.Arg1226Gly)

Gene: SAMD9 (sterile alpha motif domain containing 9; minus strand). Cytogenetic location: 7q21.2.
Variant type: single nucleotide variant.
Coding change: c.3676A>G on transcript NM_017654.4 (MANE Select); coding-DNA position 3676, A replaced by G.
Protein change: p.Arg1226Gly; replaces arginine 1226 with glycine.
Molecular consequence: missense variant.
Genome position (GRCh38, 1-based): chr7:93,102,422, T>C on the plus strand (A>G on the coding strand, the complement: SAMD9 is on the minus strand). VCF-style: chr7-93102422-T-C. GRCh37 (hg19) VCF-style: chr7-92731735-T-C.
Other names: c.3676A>G, p.Arg1226Gly (NM_001193307.2); c.3676A>G (NM_017654.3); short protein forms R1226G.
Identifiers: ClinVar variation 2958875 (VCV002958875.6), dbSNP rs765325849, ClinGen allele CA4342663.

ClinVar aggregate classification (germline): Uncertain significance. Review status: criteria provided, multiple submitters, no conflicts (2 of 4 stars). 4 submissions from 4 submitters: Uncertain significance (3). 1 of the submissions does not count toward it. Last evaluated 2024-12-28.

Conditions:
SAMD9-related disorder. Also called: SAMD9-related condition.
Inborn genetic diseases. Identifiers: MedGen C0950123, MeSH D030342.

Allele frequency attached by ClinVar (database versions not stated): gnomAD exomes 0.00001; ExAC 0.00002; TOPMed 0.00002; gnomAD 0.00003.

Submissions (4):

Ambry Genetics
Classification: Uncertain significance for Inborn genetic diseases. Last evaluated: 2024-12-28. Review status: criteria provided, single submitter. Criteria: Ambry Variant Classification Scheme 2023. Collection method: clinical testing. Allele origin: germline.
Comment: The p.R1226G variant (also known as c.3676A>G), located in coding exon 1 of the SAMD9 gene, results from an A to G substitution at nucleotide position 3676. The arginine at codon 1226 is replaced by glycine, an amino acid with dissimilar properties. This amino acid position is conserved. In addition, this alteration is predicted to be tolerated by in silico analysis. Based on the available evidence, the clinical significance of this variant remains unclear.

Labcorp Genetics (formerly Invitae), Labcorp
Classification: Uncertain significance. Last evaluated: 2024-09-09. Review status: criteria provided, single submitter. Criteria: Invitae Variant Classification Sherloc (09022015). Collection method: clinical testing. Allele origin: germline.
Comment: This sequence change replaces arginine, which is basic and polar, with glycine, which is neutral and non-polar, at codon 1226 of the SAMD9 protein (p.Arg1226Gly). This variant is present in population databases (rs765325849, gnomAD 0.02%). This variant has not been reported in the literature in individuals affected with SAMD9-related conditions. Invitae Evidence Modeling of protein sequence and biophysical properties (such as structural, functional, and spatial information, amino acid conservation, physicochemical variation, residue mobility, and thermodynamic stability) indicates that this missense variant is not expected to disrupt SAMD9 protein function with a negative predictive value of 95%. In summary, the available evidence is currently insufficient to determine the role of this variant in disease. Therefore, it has been classified as a Variant of Uncertain Significance.

GeneDx
Classification: Uncertain significance. Last evaluated: 2024-04-10. Review status: criteria provided, single submitter. Criteria: GeneDx Variant Classification Process June 2021. Collection method: clinical testing. Allele origin: germline. Affected: yes.
Comment: Not observed at significant frequency in large population cohorts (gnomAD); In silico analysis supports that this missense variant has a deleterious effect on protein structure/function; Has not been previously published as pathogenic or benign to our knowledge

PreventionGenetics, part of Exact Sciences
Classification: Uncertain significance for SAMD9-related condition. Last evaluated: 2024-03-04. Review status: no assertion criteria provided. Collection method: clinical testing. Allele origin: germline. Not counted in ClinVar's aggregate classification.
Comment: The SAMD9 c.3676A>G variant is predicted to result in the amino acid substitution p.Arg1226Gly. To our knowledge, this variant has not been reported in the literature. This variant is reported in 0.016% of alleles in individuals of African descent in gnomAD. It has not been documented in the ClinVar database. At this time, the clinical significance of this variant is uncertain due to the absence of conclusive functional and genetic evidence.